The following is an entry in ClinVar:

NM_001021.6(RPS17):c.327+1G>A

Gene: RPS17 (ribosomal protein S17; minus strand). Cytogenetic location: 15q25.2.
Variant type: single nucleotide variant.
Coding change: c.327+1G>A on transcript NM_001021.6 (MANE Select); the canonical splice donor site of the intron after coding-DNA position 327, G replaced by A.
Molecular consequence: splice donor variant.
Genome position (GRCh38, 1-based): chr15:82,538,305, C>T on the plus strand (G>A on the coding strand, the complement: RPS17 is on the minus strand). VCF-style: chr15-82538305-C-T. GRCh37 (hg19) VCF-style: chr15-82822713-C-T.
Identifiers: ClinVar variation 4883732 (VCV004883732.2).

ClinVar aggregate classification (germline): Likely pathogenic (1 of 4 stars; one submission).

Conditions:
Diamond-Blackfan anemia 4 (DBA4). Also called: RPS17-Related Diamond-Blackfan Anemia. Identifiers: Orphanet 124, MedGen C2675860, MONDO:0012924, OMIM 612527.

Submission:

Dasa
Classification: Likely pathogenic for Diamond-Blackfan anemia 4. Last evaluated: 2026-02-19. Review status: criteria provided, single submitter. Criteria: DASA Assertion Criteria. Collection method: clinical testing. Allele origin: germline.
Comment: NM_001021.6(RPS17):c.327+1G>A affects a canonical splice site and is predicted to disrupt normal RNA splicing. Loss of function is an established disease mechanism for RPS17 (PMID: 23812780; PMID: 20378560; PMID: 17647292). Also, this variant is absent from population databases. Based on the currently available evidence, this variant is classified as likely pathogenic.

Literature cited by the submitters: PubMed 23812780; PubMed 20378560; PubMed 17647292.